The following is an entry in ClinVar:

NM_006371.5(CRTAP):c.94A>G (p.Ser32Gly)

Gene: CRTAP (cartilage associated protein; plus strand). Cytogenetic location: 3p22.3.
Variant type: single nucleotide variant.
Coding change: c.94A>G on transcript NM_006371.5 (MANE Select); coding-DNA position 94, A replaced by G.
Protein change: p.Ser32Gly; replaces serine 32 with glycine.
Molecular consequence: missense variant.
Genome position (GRCh38, 1-based): chr3:33,114,171, A>G. VCF-style: chr3-33114171-A-G. GRCh37 (hg19) VCF-style: chr3-33155663-A-G.
Other names: p.Ser32Gly; c.94A>G, p.Ser32Gly (NM_001393363.1, NM_001393364.1, NM_001393365.1); c.94A>G (NM_006371.4); short protein forms S32G.
Identifiers: ClinVar variation 1434534 (VCV001434534.7), dbSNP rs748431852, ClinGen allele CA2300193.

ClinVar aggregate classification (germline): Uncertain significance. Review status: criteria provided, multiple submitters, no conflicts (2 of 4 stars). 3 submissions from 3 submitters: Uncertain significance (3). Last evaluated 2024-08-12.

Conditions:
Osteogenesis imperfecta type 7 (OI7). Also called: OI type 7; OI type VII; OSTEOGENESIS IMPERFECTA, TYPE IIB; Osteogenesis imperfecta type 2B; OI type 2B; Osteogenesis imperfecta, perinatal lethal autosomal recessive. Identifiers: MedGen C1853162, MONDO:0012536, OMIM 610682.

Allele frequency attached by ClinVar (database versions not stated): ExAC 0.00001; gnomAD exomes 0.00001; TOPMed 0.00001.
gnomAD v4.1: 11 of 1,590,558 alleles (0.00069%); highest among the groups gnomAD compares: Middle Eastern, 0.017%; no homozygotes.

Submissions (3):

GeneDx
Classification: Uncertain significance. Last evaluated: 2024-08-12. Review status: criteria provided, single submitter. Criteria: GeneDx Variant Classification Process June 2021. Collection method: clinical testing. Allele origin: germline. Affected: yes.
Comment: Not observed at significant frequency in large population cohorts (gnomAD); In silico analysis indicates that this missense variant does not alter protein structure/function; Has not been previously published as pathogenic or benign to our knowledge

Mayo Clinic Laboratories, Mayo Clinic
Classification: Uncertain significance. Last evaluated: 2023-03-16. Review status: criteria provided, single submitter. Criteria: ACMG Guidelines, 2015. Collection method: clinical testing. Allele origin: germline. Observed: 2 variant alleles.

Labcorp Genetics (formerly Invitae), Labcorp
Classification: Uncertain significance for Osteogenesis imperfecta type 7. Last evaluated: 2021-08-27. Review status: criteria provided, single submitter. Criteria: Invitae Variant Classification Sherloc (09022015). Collection method: clinical testing. Allele origin: germline.
Comment: This sequence change replaces serine with glycine at codon 32 of the CRTAP protein (p.Ser32Gly). The serine residue is moderately conserved and there is a small physicochemical difference between serine and glycine. This variant is present in population databases (rs748431852, ExAC 0.02%). This variant has not been reported in the literature in individuals affected with CRTAP-related conditions. Algorithms developed to predict the effect of missense changes on protein structure and function are either unavailable or do not agree on the potential impact of this missense change (SIFT: "Tolerated"; PolyPhen-2: "Possibly Damaging"; Align-GVGD: "Class C0"). In summary, the available evidence is currently insufficient to determine the role of this variant in disease. Therefore, it has been classified as a Variant of Uncertain Significance.